The following is an entry in ClinVar:

NM_030777.4(SLC2A10):c.182C>T (p.Ala61Val)

Gene: SLC2A10 (solute carrier family 2 member 10; plus strand). Cytogenetic location: 20q13.12.
Variant type: single nucleotide variant.
Coding change: c.182C>T on transcript NM_030777.4 (MANE Select); coding-DNA position 182, C replaced by T.
Protein change: p.Ala61Val; replaces alanine 61 with valine.
Molecular consequence: missense variant.
Genome position (GRCh38, 1-based): chr20:46,725,218, C>T. VCF-style: chr20-46725218-C-T. GRCh37 (hg19) VCF-style: chr20-45353857-C-T.
Other names: short protein forms A61V.
Identifiers: ClinVar variation 3797349 (VCV003797349.1).
Genomic context (GRCh38, chr20:46,725,218, plus strand): 5'-GGCTAAGCTGCTTGGAGCAGGAGTTCCTGGTGGGCAGCCTGCTCCTGGGGGCTCTCCTCG[C>T]CTCCCTGGTTGGTGGCTTCCTCATTGACTGCTATGGCAGGAAGCAAGCCATCCTCGGGAG-3'
Protein context (NP_110404.1, residues 51-71): VGSLLLGALL[Ala61Val]SLVGGFLIDC

ClinVar aggregate classification (germline): Uncertain significance (1 of 4 stars; one submission).

Conditions:
Familial thoracic aortic aneurysm and aortic dissection (TAAD). Also called: Thoracic aortic aneurysms and dissections. Identifiers: Orphanet 91387, MedGen C4707243, MONDO:0019625.

gnomAD v4.1: 3 of 1,614,166 alleles (0.00019%); highest among the groups gnomAD compares: Non-Finnish European, 0.00025%; no homozygotes.

Submission:

Ambry Genetics
Classification: Uncertain significance for Familial thoracic aortic aneurysm and aortic dissection. Last evaluated: 2025-03-09. Review status: criteria provided, single submitter. Criteria: Ambry Variant Classification Scheme 2023. Collection method: clinical testing. Allele origin: germline.
Comment: The p.A61V variant (also known as c.182C>T), located in coding exon 2 of the SLC2A10 gene, results from a C to T substitution at nucleotide position 182. The alanine at codon 61 is replaced by valine, an amino acid with similar properties. This amino acid position is conserved. In addition, the in silico prediction for this alteration is inconclusive. Based on the available evidence, the clinical significance of this variant remains unclear.